The following is an entry in ClinVar:

NM_000059.4(BRCA2):c.1882C>T (p.Pro628Ser)

Gene: BRCA2 (BRCA2 DNA repair associated; plus strand). Cytogenetic location: 13q13.1.
Variant type: single nucleotide variant.
Coding change: c.1882C>T on transcript NM_000059.4 (MANE Select); coding-DNA position 1882, C replaced by T.
Protein change: p.Pro628Ser; replaces proline 628 with serine.
Molecular consequence: missense variant.
Genome position (GRCh38, 1-based): chr13:32,333,360, C>T. VCF-style: chr13-32333360-C-T. GRCh37 (hg19) VCF-style: chr13-32907497-C-T.
Other names: short protein forms P628S.
Identifiers: ClinVar variation 531442 (VCV000531442.21), dbSNP rs1163156807, ClinGen allele CA387766670.
Genomic context (GRCh38, chr13:32,333,360, plus strand): 5'-GACCAAAAATCAGAACTAATTAACTGTTCAGCCCAGTTTGAAGCAAATGCTTTTGAAGCA[C>T]CACTTACATTTGCAAATGCTGATTCAGGTACCTCTGTCTTTTTTTTTTTGTAAATAGTAC-3'
Protein context (NP_000050.3, residues 618-638): AQFEANAFEA[Pro628Ser]LTFANADSGL

ClinVar aggregate classification (germline): Conflicting classifications of pathogenicity. Review status: criteria provided, conflicting classifications (1 of 4 stars). 7 submissions from 7 submitters: Uncertain significance (6); Likely benign (1). Last evaluated 2026-03-24.

Conditions:
Hereditary cancer-predisposing syndrome. Also called: Neoplastic Syndromes, Hereditary; Hereditary Cancer Syndrome; Tumor predisposition; Hereditary neoplastic syndrome. Identifiers: Orphanet 140162, MedGen C0027672, MeSH D009386, MONDO:0015356.
Hereditary breast ovarian cancer syndrome. Also called: Hereditary breast and ovarian cancer syndrome; Breast and ovarian cancer; BRCA1- and BRCA2-Associated Hereditary Breast and Ovarian Cancer; Hereditary breast and ovarian cancer syndrome (HBOC); Hereditary breast and ovarian cancer; Hereditary breast and/or ovarian cancer syndrome. Identifiers: Orphanet 145, MedGen C0677776, MeSH D061325, MONDO:0003582. Disease mechanism: loss of function.
Breast-ovarian cancer, familial, susceptibility to, 2 (BROVCA2). Also called: BRCA2 Hereditary Breast and Ovarian Cancer. Identifiers: Orphanet 145, MedGen C2675520, MONDO:0012933, OMIM 612555. Disease mechanism: loss of function.

Allele frequency attached by ClinVar (database versions not stated): gnomAD exomes below 0.00001.
gnomAD v4.1: 5 of 1,609,266 alleles (0.00031%); highest among the groups gnomAD compares: South Asian, 0.0022%; no homozygotes.

Submissions (7):

Dasa
Classification: Uncertain significance for Breast-ovarian cancer, familial, susceptibility to, 2. Last evaluated: 2026-03-24. Review status: criteria provided, single submitter. Criteria: DASA Assertion Criteria. Collection method: clinical testing. Allele origin: germline.
Comment: NM_000059.4(BRCA2):c.1882C>T (p.Pro628Ser) is a missense variant that results in the substitution of proline with serine. This variant is rare in population databases. Computational prediction algorithms are consistent with a benign effect. The currently available literature and clinical evidence are not sufficient to establish a definitive association between this variant and the reported condition. Therefore, this variant is classified as a variant of uncertain significance.

Labcorp Genetics (formerly Invitae), Labcorp
Classification: Uncertain significance for Hereditary breast ovarian cancer syndrome. Last evaluated: 2025-05-05. Review status: criteria provided, single submitter. Criteria: Invitae Variant Classification Sherloc (09022015). Collection method: clinical testing. Allele origin: germline.
Comment: This sequence change replaces proline, which is neutral and non-polar, with serine, which is neutral and polar, at codon 628 of the BRCA2 protein (p.Pro628Ser). This variant is present in population databases (no rsID available, gnomAD 0.006%). This variant has not been reported in the literature in individuals affected with BRCA2-related conditions. ClinVar contains an entry for this variant (Variation ID: 531442). Invitae Evidence Modeling of protein sequence and biophysical properties (such as structural, functional, and spatial information, amino acid conservation, physicochemical variation, residue mobility, and thermodynamic stability) indicates that this missense variant is not expected to disrupt BRCA2 protein function with a negative predictive value of 95%. In summary, the available evidence is currently insufficient to determine the role of this variant in disease. Therefore, it has been classified as a Variant of Uncertain Significance.

Ambry Genetics
Classification: Uncertain significance for Hereditary cancer-predisposing syndrome. Last evaluated: 2024-02-06. Review status: criteria provided, single submitter. Criteria: Ambry Variant Classification Scheme 2023. Collection method: clinical testing. Allele origin: germline.
Comment: The p.P628S variant (also known as c.1882C>T), located in coding exon 9 of the BRCA2 gene, results from a C to T substitution at nucleotide position 1882. The proline at codon 628 is replaced by serine, an amino acid with similar properties. This amino acid position is well conserved in available vertebrate species. In addition, this alteration is predicted to be tolerated by in silico analysis. Since supporting evidence is limited at this time, the clinical significance of this alteration remains unclear.

University of Washington Department of Laboratory Medicine, University of Washington
Classification: Likely benign for Hereditary cancer-predisposing syndrome. Last evaluated: 2023-03-23. Review status: criteria provided, single submitter. Criteria: Dines et al. (Genet Med. 2020). Collection method: curation. Allele origin: germline.
Comment: Missense variant in a coldspot region where missense variants are very unlikely to be pathogenic (PMID:31911673).

BRCA2 exon 10 coldspot. Reclassification based on statistical prior probability.

GeneDx
Classification: Uncertain significance. Last evaluated: 2020-12-17. Review status: criteria provided, single submitter. Criteria: GeneDx Variant Classification Process June 2021. Collection method: clinical testing. Allele origin: germline. Affected: yes.
Comment: Not observed at a significant frequency in large population cohorts (Lek 2016); In silico analysis supports that this missense variant does not alter protein structure/function; Has not been previously published as pathogenic or benign to our knowledge; Also known as 2110C>T

Women's Health and Genetics/Laboratory Corporation of America, LabCorp
Classification: Uncertain significance. Last evaluated: 2018-11-15. Review status: criteria provided, single submitter. Criteria: LabCorp Variant Classification Summary - May 2015. Collection method: clinical testing. Allele origin: germline.
Comment: Variant summary: BRCA2 c.1882C>T (p.Pro628Ser) results in a non-conservative amino acid change in the encoded protein sequence. Four of five in-silico tools predict a benign effect of the variant on protein function. The variant allele was found at a frequency of 4.2e-06 in 236026 control chromosomes (gnomAD). The available data on variant occurrences in the general population are insufficient to allow any conclusion about variant significance. To our knowledge, no occurrence of c.1882C>T in individuals affected with Hereditary Breast and Ovarian Cancer and no experimental evidence demonstrating its impact on protein function have been reported. One clinical diagnostic laboratory has submitted clinical-significance assessments for this variant to ClinVar after 2014 without evidence for independent evaluation and classified the variant as uncertain significance. Based on the evidence outlined above, the variant was classified as uncertain significance.

Quest Diagnostics Nichols Institute San Juan Capistrano
Classification: Uncertain significance. Last evaluated: 2018-03-17. Review status: criteria provided, single submitter. Criteria: Quest Diagnostics criteria. Collection method: clinical testing. Allele origin: germline.